The following is an entry in ClinVar:

NM_001385012.1(NBEA):c.8358C>A (p.Asn2786Lys)

Gene: NBEA (neurobeachin; plus strand). Cytogenetic location: 13q13.3.
Variant type: single nucleotide variant.
Coding change: c.8358C>A on transcript NM_001385012.1 (MANE Select); coding-DNA position 8358, C replaced by A.
Protein change: p.Asn2786Lys; replaces asparagine 2786 with lysine.
Molecular consequence: missense variant.
Genome position (GRCh38, 1-based): chr13:35,655,745, C>A. VCF-style: chr13-35655745-C-A. GRCh37 (hg19) VCF-style: chr13-36229882-C-A.
Other names: c.1674C>A, p.Asn558Lys (NM_001204197.3); c.8349C>A, p.Asn2783Lys (NM_001379245.1); c.8295C>A, p.Asn2765Lys (NM_015678.5); short protein forms N2765K, N2783K, N2786K, N558K.
Identifiers: ClinVar variation 1687393 (VCV001687393.1), dbSNP rs2153082078, ClinGen allele CA387841653.

ClinVar aggregate classification (germline): Uncertain significance (1 of 4 stars; one submission).

Conditions:
Neurodevelopmental disorder with or without early-onset generalized epilepsy. Identifiers: MedGen C5436914, MONDO:0030930, OMIM 619157.

gnomAD v4.1: 1 of 1,610,730 alleles (0.000062%); highest among the groups gnomAD compares: Non-Finnish European, 0.000085%; no homozygotes.

Submission:

3billion
Classification: Uncertain significance for Neurodevelopmental disorder with or without early-onset generalized epilepsy. Last evaluated: 2022-05-22. Review status: criteria provided, single submitter. Criteria: ACMG Guidelines, 2015. Collection method: clinical testing. Allele origin: germline. Affected: yes. Observed: 1 heterozygote.
Comment: The variant is not observed in the gnomAD v2.1.1 dataset. Missense changes are a common disease-causing mechanism. Therefore, this variant is classified as uncertain significanceaccording to the recommendation of ACMG/AMP guideline.